The following is an entry in ClinVar:

ClinVar aggregate classification (germline): Uncertain significance (1 of 4 stars; one submission).

Conditions:
Nemaline myopathy 2 (NEM2). Also called: Nemaline myopathy 2, autosomal recessive. Identifiers: MedGen C1850569, MONDO:0009725, OMIM 256030.

Allele frequency attached by ClinVar (database versions not stated): gnomAD exomes below 0.00001; TOPMed 0.00001.
gnomAD v4.1: 2 of 1,612,138 alleles (0.00012%); no homozygotes.

Submission:

Labcorp Genetics (formerly Invitae), Labcorp
Classification: Uncertain significance for Nemaline myopathy 2. Last evaluated: 2021-09-29. Review status: criteria provided, single submitter. Criteria: Invitae Variant Classification Sherloc (09022015). Collection method: clinical testing. Allele origin: germline.
Comment: This variant has not been reported in the literature in individuals affected with NEB-related conditions. This variant is not present in population databases (ExAC no frequency). This sequence change replaces glutamic acid with lysine at codon 8186 of the NEB protein (p.Glu8186Lys). The glutamic acid residue is moderately conserved and there is a small physicochemical difference between glutamic acid and lysine. Algorithms developed to predict the effect of missense changes on protein structure and function are either unavailable or do not agree on the potential impact of this missense change (SIFT: "Deleterious"; PolyPhen-2: "Not Available"; Align-GVGD: "Class C0"). In summary, the available evidence is currently insufficient to determine the role of this variant in disease. Therefore, it has been classified as a Variant of Uncertain Significance.

NM_001164508.2(NEB):c.24451G>A (p.Glu8151Lys)

Genes: NEB (nebulin; minus strand), RIF1 (replication timing regulatory factor 1; plus strand). Cytogenetic location: 2q23.3.
Variant type: single nucleotide variant.
Coding change: c.24451G>A on transcript NM_001164508.2 (MANE Select); coding-DNA position 24451, G replaced by A.
Protein change: p.Glu8151Lys; replaces glutamic acid 8151 with lysine.
Molecular consequence: missense variant.
Genome position (GRCh38, 1-based): chr2:151,496,311, C>T on the plus strand (G>A on the coding strand, the complement: NEB is on the minus strand). VCF-style: chr2-151496311-C-T. GRCh37 (hg19) VCF-style: chr2-152352825-C-T.
Other names: c.24451G>A, p.Glu8151Lys (NM_001164507.2); c.24556G>A, p.Glu8186Lys (NM_001271208.2); c.18883G>A, p.Glu6295Lys (NM_004543.5); short protein forms E6295K, E8151K, E8186K.
Identifiers: ClinVar variation 1383837 (VCV001383837.6), dbSNP rs1385464726, ClinGen allele CA348778304.